The following is an entry in ClinVar:

NM_001267550.2(TTN):c.104012T>G (p.Leu34671Ter)

Genes: TTN-AS1 (TTN antisense RNA 1; plus strand), TTN (titin; minus strand). Cytogenetic location: 2q31.2.
Variant type: single nucleotide variant.
Coding change: c.104012T>G on transcript NM_001267550.2 (MANE Select); coding-DNA position 104012, T replaced by G.
Protein change: p.Leu34671Ter; replaces leucine 34671 with a stop codon.
Molecular consequence: nonsense.
Genome position (GRCh38, 1-based): chr2:178,532,603, A>C on the plus strand (T>G on the coding strand, the complement: TTN is on the minus strand). VCF-style: chr2-178532603-A-C. GRCh37 (hg19) VCF-style: chr2-179397330-A-C.
Other names: c.99089T>G, p.Leu33030Ter (NM_001256850.1); c.76817T>G, p.Leu25606Ter (NM_003319.4); c.96308T>G, p.Leu32103Ter (NM_133378.4); c.77192T>G, p.Leu25731Ter (NM_133432.3); c.77393T>G, p.Leu25798Ter (NM_133437.4); short protein forms L32103*, L34671*, L25606*, L25731*, L25798*, L33030*.
Identifiers: ClinVar variation 2057994 (VCV002057994.4), dbSNP rs2468458755, ClinGen allele CA349412748.

ClinVar aggregate classification (germline): Likely pathogenic (1 of 4 stars; one submission).

Conditions:
Dilated cardiomyopathy 1G (CMD1G). Identifiers: Orphanet 154, MedGen C1858763, MONDO:0011400, OMIM 604145.
Autosomal recessive limb-girdle muscular dystrophy type 2J (LGMDR10). Also called: Limb-girdle muscular dystrophy, type 2J; MUSCULAR DYSTROPHY, LIMB-GIRDLE, AUTOSOMAL RECESSIVE 10. Identifiers: Orphanet 140922, MedGen C1837342, MONDO:0012127, OMIM 608807.

Submission:

Labcorp Genetics (formerly Invitae), Labcorp
Classification: Likely pathogenic for Dilated cardiomyopathy 1G; Autosomal recessive limb-girdle muscular dystrophy type 2J. Last evaluated: 2025-11-05. Review status: criteria provided, single submitter. Criteria: Invitae Variant Classification Sherloc (09022015). Collection method: clinical testing. Allele origin: germline.
Comment: This sequence change creates a premature translational stop signal (p.Leu34671*) in the TTN gene. While this is not anticipated to result in nonsense mediated decay, it is expected to create a truncated TTN protein. This variant is not present in population databases (gnomAD no frequency). This variant has not been reported in the literature in individuals affected with TTN-related conditions. ClinVar contains an entry for this variant (Variation ID: 2057994). This variant is located in the M band of TTN (PMID: 25589632). Truncating variants in this region have been previously reported in individuals affected with autosomal dominant or autosomal recessive myopathy and muscular dystrophy (PMID: 18948003, 23975875, 24395473). Truncating variants in this region have also been identified in individuals affected with autosomal dominant dilated cardiomyopathy and/or cardio-related conditions (PMID: 27869827, 32964742, internal data). In summary, the currently available evidence indicates that the variant is pathogenic, but additional data are needed to prove that conclusively. Therefore, this variant has been classified as Likely Pathogenic.

Literature cited by the submitters: PubMed 25589632; PubMed 18948003; PubMed 23975875; PubMed 24395473; PubMed 27869827; PubMed 32964742.